The following is an entry in ClinVar:

NM_001041.4(SI):c.4043C>T (p.Thr1348Met)

Gene: SI (sucrase-isomaltase; minus strand). Cytogenetic location: 3q26.1.
Variant type: single nucleotide variant.
Coding change: c.4043C>T on transcript NM_001041.4 (MANE Select); coding-DNA position 4043, C replaced by T.
Protein change: p.Thr1348Met; replaces threonine 1348 with methionine.
Molecular consequence: missense variant.
Genome position (GRCh38, 1-based): chr3:165,012,999, G>A on the plus strand (C>T on the coding strand, the complement: SI is on the minus strand). VCF-style: chr3-165012999-G-A. GRCh37 (hg19) VCF-style: chr3-164730787-G-A.
Other names: short protein forms T1348M.
Identifiers: ClinVar variation 1927982 (VCV001927982.4), dbSNP rs192640245, ClinGen allele CA2690046.

ClinVar aggregate classification (germline): Uncertain significance (1 of 4 stars; one submission).

Allele frequency attached by ClinVar (database versions not stated): TOPMed 0.00002; gnomAD 0.00003; ESP Exome Variant Server 0.00008; 1000 Genomes Project 30x 0.00016; 1000 Genomes Project 0.00020.
gnomAD v4.1: 33 of 1,608,522 alleles (0.0021%); highest among the groups gnomAD compares: East Asian, 0.011%; no homozygotes.

Submission:

Labcorp Genetics (formerly Invitae), Labcorp
Classification: Uncertain significance. Last evaluated: 2024-02-24. Review status: criteria provided, single submitter. Criteria: Invitae Variant Classification Sherloc (09022015). Collection method: clinical testing. Allele origin: germline.
Comment: This sequence change replaces threonine, which is neutral and polar, with methionine, which is neutral and non-polar, at codon 1348 of the SI protein (p.Thr1348Met). This variant is present in population databases (rs192640245, gnomAD 0.004%). This variant has not been reported in the literature in individuals affected with SI-related conditions. ClinVar contains an entry for this variant (Variation ID: 1927982). Advanced modeling of protein sequence and biophysical properties (such as structural, functional, and spatial information, amino acid conservation, physicochemical variation, residue mobility, and thermodynamic stability) has been performed at Invitae for this missense variant, however the output from this modeling did not meet the statistical confidence thresholds required to predict the impact of this variant on SI protein function. In summary, the available evidence is currently insufficient to determine the role of this variant in disease. Therefore, it has been classified as a Variant of Uncertain Significance.